The following is an entry in ClinVar:

ClinVar aggregate classification (germline): Uncertain significance. Review status: criteria provided, multiple submitters, no conflicts (2 of 4 stars). 3 submissions from 3 submitters: Uncertain significance (3). Last evaluated 2023-08-05.

Conditions:
Exudative vitreoretinopathy 1 (EVR1). Also called: FEVR, AUTOSOMAL DOMINANT; Familial exudative vitreoretinopathy, autosomal dominant; CRISWICK-SCHEPENS SYNDROME. Identifiers: Orphanet 891, Orphanet 90050, MedGen C1851402, MONDO:0007589, OMIM 133780.
Osteoporosis with pseudoglioma (OPPG). Also called: osteoporosis-pseudoglioma syndrome. Identifiers: Orphanet 2788, MedGen C0432252, MONDO:0009820, OMIM 259770.
Osteoporosis. Identifiers: MedGen C0029456, MONDO:0005298, OMIM 166710, HP:0000939.
Bone mineral density quantitative trait locus 1 (BMND1). Identifiers: MedGen C1866079, OMIM 601884.
Worth disease. Also called: Autosomal dominant osteosclerosis, Worth type; ENDOSTEAL HYPEROSTOSIS, AUTOSOMAL DOMINANT; OSTEOSCLEROSIS, AUTOSOMAL DOMINANT. Identifiers: Orphanet 2790, MedGen C0432273, MONDO:0007764, OMIM 144750.
Autosomal dominant osteopetrosis 1 (OPTA1). Also called: OSTEOPETROSIS, AUTOSOMAL DOMINANT, TYPE I. Identifiers: Orphanet 2783, MedGen C1843330, MONDO:0011877, OMIM 607634.
Exudative vitreoretinopathy 4 (EVR4). Identifiers: Orphanet 891, MedGen C1866176, MONDO:0011151, OMIM 601813.
Polycystic liver disease 4 with or without kidney cysts. Identifiers: MedGen C4693479, MONDO:0044327, OMIM 617875.

Allele frequency attached by ClinVar (database versions not stated): gnomAD 0.00002; TOPMed 0.00002; gnomAD exomes 0.00004; ExAC 0.00006.
gnomAD v4.1: 52 of 1,605,514 alleles (0.0032%); highest among the groups gnomAD compares: Middle Eastern, 0.033%; no homozygotes.

Submissions (3):

Labcorp Genetics (formerly Invitae), Labcorp
Classification: Uncertain significance. Last evaluated: 2023-08-05. Review status: criteria provided, single submitter. Criteria: Invitae Variant Classification Sherloc (09022015). Collection method: clinical testing. Allele origin: germline.
Comment: This variant is present in population databases (rs758606794, gnomAD 0.007%). This sequence change replaces valine, which is neutral and non-polar, with isoleucine, which is neutral and non-polar, at codon 1478 of the LRP5 protein (p.Val1478Ile). This variant has not been reported in the literature in individuals affected with LRP5-related conditions. ClinVar contains an entry for this variant (Variation ID: 1054033). Advanced modeling of protein sequence and biophysical properties (such as structural, functional, and spatial information, amino acid conservation, physicochemical variation, residue mobility, and thermodynamic stability) performed at Invitae indicates that this missense variant is not expected to disrupt LRP5 protein function. In summary, the available evidence is currently insufficient to determine the role of this variant in disease. Therefore, it has been classified as a Variant of Uncertain Significance.

Fulgent Genetics
Classification: Uncertain significance for Exudative vitreoretinopathy 1; Worth disease; Osteoporosis; Osteoporosis with pseudoglioma; Exudative vitreoretinopathy 4; Bone mineral density quantitative trait locus 1; Autosomal dominant osteopetrosis 1; Polycystic liver disease 4 with or without kidney cysts. Last evaluated: 2022-02-11. Review status: criteria provided, single submitter. Criteria: ACMG Guidelines, 2015. Collection method: clinical testing. Allele origin: unknown.

Blueprint Genetics
Classification: Uncertain significance. Last evaluated: 2021-12-23. Review status: criteria provided, single submitter. Criteria: ACMG Guidelines, 2015. Collection method: clinical testing. Allele origin: germline.

NM_002335.4(LRP5):c.4432G>A (p.Val1478Ile)

Gene: LRP5 (LDL receptor related protein 5; plus strand). Cytogenetic location: 11q13.2.
Variant type: single nucleotide variant.
Coding change: c.4432G>A on transcript NM_002335.4 (MANE Select); coding-DNA position 4432, G replaced by A.
Protein change: p.Val1478Ile; replaces valine 1478 with isoleucine.
Molecular consequence: missense variant.
Genome position (GRCh38, 1-based): chr11:68,439,860, G>A. VCF-style: chr11-68439860-G-A. GRCh37 (hg19) VCF-style: chr11-68207328-G-A.
Other names: c.2689G>A, p.Val897Ile (NM_001291902.2); short protein forms V1478I, V897I.
Identifiers: ClinVar variation 1054033 (VCV001054033.9), dbSNP rs758606794, ClinGen allele CA6150359.
Genomic context (GRCh38, chr11:68,439,860, plus strand): 5'-ATGAGCTCCGTGAGCCTGATGGGGGGCCGGGGCGGGGTGCCCCTCTACGACCGGAACCAC[G>A]TCACAGGGGCCTCGTCCAGCAGCTCGTCCAGCACGAAGGCCACGCTGTACCCGCCGGTGA-3'
Protein context (NP_002326.2, residues 1468-1488): GGVPLYDRNH[Val1478Ile]TGASSSSSSS